The following is an entry in ClinVar:

NM_052947.4(ALPK2):c.5477A>C (p.Lys1826Thr)

Gene: ALPK2 (alpha kinase 2; minus strand). Cytogenetic location: 18q21.31.
Variant type: single nucleotide variant.
Coding change: c.5477A>C on transcript NM_052947.4 (MANE Select); coding-DNA position 5477, A replaced by C.
Protein change: p.Lys1826Thr; replaces lysine 1826 with threonine.
Molecular consequence: missense variant.
Genome position (GRCh38, 1-based): chr18:58,529,115, T>G on the plus strand (A>C on the coding strand, the complement: ALPK2 is on the minus strand). VCF-style: chr18-58529115-T-G. GRCh37 (hg19) VCF-style: chr18-56196347-T-G.
Other names: short protein forms K1826T.
Identifiers: ClinVar variation 2626050 (VCV002626050.2), dbSNP rs2518869467, ClinGen allele CA402553665.

ClinVar aggregate classification (germline): Uncertain significance (1 of 4 stars; one submission).

Allele frequency attached by ClinVar (database versions not stated): gnomAD exomes below 0.00001.
gnomAD v4.1: 2 of 1,614,148 alleles (0.00012%); highest among the groups gnomAD compares: Non-Finnish European, 0.00017%; no homozygotes.

Submission:

Ambry Genetics
Classification: Uncertain significance. Last evaluated: 2023-09-13. Review status: criteria provided, single submitter. Criteria: Ambry Variant Classification Scheme 2023. Collection method: clinical testing. Allele origin: germline.
Comment: The p.K1826T variant (also known as c.5477A>C), located in coding exon 5 of the ALPK2 gene, results from an A to C substitution at nucleotide position 5477. The lysine at codon 1826 is replaced by threonine, an amino acid with similar properties. This amino acid position is conserved. In addition, this alteration is predicted to be tolerated by in silico analysis. Since supporting evidence is limited at this time, the clinical significance of this alteration remains unclear.